The following is an entry in ClinVar:

NM_000312.4(PROC):c.830A>G (p.Glu277Gly)

Gene: PROC (protein C, inactivator of coagulation factors Va and VIIIa; plus strand). Cytogenetic location: 2q14.3.
Variant type: single nucleotide variant.
Coding change: c.830A>G on transcript NM_000312.4 (MANE Select); coding-DNA position 830, A replaced by G.
Protein change: p.Glu277Gly; replaces glutamic acid 277 with glycine.
Molecular consequence: missense variant.
Genome position (GRCh38, 1-based): chr2:127,428,390, A>G. VCF-style: chr2-127428390-A-G. GRCh37 (hg19) VCF-style: chr2-128185966-A-G.
Other names: c.1013A>G, p.Glu338Gly (NM_001375602.1); c.995A>G, p.Glu332Gly (NM_001375603.1); c.893A>G, p.Glu298Gly (NM_001375604.1); c.932A>G, p.Glu311Gly (NM_001375605.1); c.998A>G, p.Glu333Gly (NM_001375606.1); c.1016A>G, p.Glu339Gly (NM_001375607.1); c.773A>G, p.Glu258Gly (NM_001375608.1); c.806A>G, p.Glu269Gly (NM_001375609.1); and 2 more; short protein forms E258G, E269G, E275G, E277G, E298G, E311G, E332G, E333G.
Identifiers: ClinVar variation 3360092 (VCV003360092.1).

ClinVar aggregate classification (germline): Uncertain significance (1 of 4 stars; one submission).

Submission:

GeneDx
Classification: Uncertain significance. Last evaluated: 2023-06-21. Review status: criteria provided, single submitter. Criteria: GeneDx Variant Classification Process June 2021. Collection method: clinical testing. Allele origin: germline. Affected: yes.
Comment: Not observed at significant frequency in large population cohorts (gnomAD); In silico analysis supports that this missense variant has a deleterious effect on protein structure/function; Has not been previously published as pathogenic or benign to our knowledge